The following is an entry in ClinVar:

ClinVar aggregate classification (germline): Uncertain significance (1 of 4 stars; one submission).

Conditions:
Arrhythmogenic right ventricular cardiomyopathy (ARVD). Also called: Arrhythmogenic cardiomyopathy; Arrhythmogenic Right Ventricular Cardiomyopathy (ARVC); Cardiomyopathy, ARVC; Arrhythmogenic right ventricular dysplasia. Identifiers: Orphanet 247, MedGen C0349788, MeSH D019571, MONDO:0016587. Disease mechanism: loss of function. Inheritance: Various modes of inheritance.

Allele frequency attached by ClinVar (database versions not stated): gnomAD exomes below 0.00001.
gnomAD v4.1: 2 of 1,613,998 alleles (0.00012%); highest among the groups gnomAD compares: Non-Finnish European, 0.00017%; no homozygotes.

Submission:

All of Us Research Program, National Institutes of Health
Classification: Uncertain significance for Arrhythmogenic right ventricular cardiomyopathy. Last evaluated: 2023-02-24. Review status: criteria provided, single submitter. Criteria: ACMG Guidelines, 2015. Collection method: clinical testing. Allele origin: germline. Inheritance: Autosomal dominant inheritance. Observed: 1 variant allele, 1 heterozygote.
Comment: This missense variant replaces leucine with proline at codon 360 of the PKP2 protein. Computational prediction suggests that this variant may have deleterious impact on protein structure and function (internally defined REVEL score threshold >= 0.7, PMID: 27666373). To our knowledge, functional studies have not been reported for this variant. This variant has not been reported in individuals affected with PKP2-related disorders in the literature. This variant has not been identified in the general population by the Genome Aggregation Database (gnomAD). The available evidence is insufficient to determine the role of this variant in disease conclusively. Therefore, this variant is classified as a Variant of Uncertain Significance.

This study involves interpretation of variants in research participants for the purpose of population health screening. Participant phenotype was not available at the time of variant classification. Additional details can be found in publication PMID: 35346344, PMCID: PMC8962531

NM_001005242.3(PKP2):c.1079T>C (p.Leu360Pro)

Gene: PKP2 (plakophilin 2; minus strand). Cytogenetic location: 12p11.21.
Variant type: single nucleotide variant.
Coding change: c.1079T>C on transcript NM_001005242.3 (MANE Select); coding-DNA position 1079, T replaced by C.
Protein change: p.Leu360Pro; replaces leucine 360 with proline.
Molecular consequence: missense variant.
Genome position (GRCh38, 1-based): chr12:32,869,018, A>G on the plus strand (T>C on the coding strand, the complement: PKP2 is on the minus strand). VCF-style: chr12-32869018-A-G. GRCh37 (hg19) VCF-style: chr12-33021952-A-G.
Other names: c.1079T>C, p.Leu360Pro (NM_004572.4); short protein forms L360P.
Identifiers: ClinVar variation 180473 (VCV000180473.2), dbSNP rs730880180, ClinGen allele CA010738.